The following is an entry in ClinVar:

ClinVar aggregate classification (germline): Conflicting classifications of pathogenicity. Review status: criteria provided, conflicting classifications (1 of 4 stars). 5 submissions from 5 submitters: Uncertain significance (4); Likely benign (1). Last evaluated 2026-02-13.

Conditions:
RLBP1-related disorder. Also called: RLBP1-related condition; RLBP1-related disorders. Identifiers: MedGen CN239413.

Allele frequency attached by ClinVar (database versions not stated): ExAC 0.00012; 1000 Genomes Project 30x 0.00016; 1000 Genomes Project 0.00020; ESP Exome Variant Server 0.00062; TOPMed 0.00072.
gnomAD v4.1: 325 of 1,614,222 alleles (0.02%); highest among the groups gnomAD compares: African/African-American, 0.16%; no homozygotes.

Submissions (5):

GeneDx
Classification: Uncertain significance. Last evaluated: 2026-02-13. Review status: criteria provided, single submitter. Criteria: GeneDx Variant Classification Process June 2021. Collection method: clinical testing. Allele origin: germline.
Comment: In silico analysis suggests that this missense variant does not alter protein structure/function; Has not been previously published as pathogenic or benign to our knowledge

PreventionGenetics, part of Exact Sciences
Classification: Uncertain significance for RLBP1-related condition. Last evaluated: 2025-12-19. Review status: criteria provided, single submitter. Criteria: ACMG Guidelines, 2015. Collection method: clinical testing. Allele origin: germline.
Comment: The RLBP1 c.488T>C variant is predicted to result in the amino acid substitution p.Ile163Thr. To our knowledge, this variant has not been reported in the literature. This variant is reported in 0.12% of alleles in individuals of African descent in gnomAD, which is likely too frequent to be a primary cause of disease. Although we suspect that this variant may be benign, at this time, the clinical significance of this variant is uncertain due to the absence of conclusive functional and genetic evidence.

Blueprint Genetics
Classification: Likely benign. Last evaluated: 2024-07-08. Review status: criteria provided, single submitter. Criteria: ACMG Guidelines, 2015. Collection method: clinical testing. Allele origin: germline.

Labcorp Genetics (formerly Invitae), Labcorp
Classification: Uncertain significance. Last evaluated: 2022-10-28. Review status: criteria provided, single submitter. Criteria: Invitae Variant Classification Sherloc (09022015). Collection method: clinical testing. Allele origin: germline.
Comment: This sequence change replaces isoleucine, which is neutral and non-polar, with threonine, which is neutral and polar, at codon 163 of the RLBP1 protein (p.Ile163Thr). This variant is present in population databases (rs116677006, gnomAD 0.1%). This variant has not been reported in the literature in individuals affected with RLBP1-related conditions. ClinVar contains an entry for this variant (Variation ID: 281513). Advanced modeling of protein sequence and biophysical properties (such as structural, functional, and spatial information, amino acid conservation, physicochemical variation, residue mobility, and thermodynamic stability) performed at Invitae indicates that this missense variant is not expected to disrupt RLBP1 protein function. In summary, the available evidence is currently insufficient to determine the role of this variant in disease. Therefore, it has been classified as a Variant of Uncertain Significance.

Eurofins Ntd Llc (ga)
Classification: Uncertain significance. Last evaluated: 2015-06-24. Review status: criteria provided, single submitter. Criteria: EGL Classification Definitions 2015. Collection method: clinical testing. Allele origin: germline. Observed: 1 variant allele, 1 heterozygote.

NM_000326.5(RLBP1):c.488T>C (p.Ile163Thr)

Gene: RLBP1 (retinaldehyde binding protein 1; minus strand). Cytogenetic location: 15q26.1.
Variant type: single nucleotide variant.
Coding change: c.488T>C on transcript NM_000326.5 (MANE Select); coding-DNA position 488, T replaced by C.
Protein change: p.Ile163Thr; replaces isoleucine 163 with threonine.
Molecular consequence: missense variant.
Genome position (GRCh38, 1-based): chr15:89,215,097, A>G on the plus strand (T>C on the coding strand, the complement: RLBP1 is on the minus strand). VCF-style: chr15-89215097-A-G. GRCh37 (hg19) VCF-style: chr15-89758328-A-G.
Other names: short protein forms I163T.
Identifiers: ClinVar variation 281513 (VCV000281513.11), dbSNP rs116677006, ClinGen allele CA7722270.
Genomic context (GRCh38, chr15:89,215,097, plus strand): 5'-GAGCCAGGCGAGCCCCCACTAACCTCATCAAAGGTGATTTCTTGACTTTGCCAGTTCTCA[A>G]TGTTGAAGAGCATGACCACTCGGCCATACTTGTCCCGACTAGAGAGGACACCAGGGTAGC-3'
Protein context (NP_000317.1, residues 153-173): KYGRVVMLFN[Ile163Thr]ENWQSQEITF